The following is an entry in ClinVar:

ClinVar aggregate classification (germline): Uncertain significance (1 of 4 stars; one submission).

Conditions:
Developmental and epileptic encephalopathy 94 (DEE94). Also called: CHD2-Related Neurodevelopmental Disorders; Epileptic encephalopathy, childhood-onset. Identifiers: Orphanet 1942, Orphanet 2382, MedGen C3809278, MONDO:0014150, OMIM 615369.

gnomAD v4.1: 1 of 1,604,730 alleles (0.000062%); highest among the groups gnomAD compares: Admixed American, 0.0017%; no homozygotes.

Submission:

Labcorp Genetics (formerly Invitae), Labcorp
Classification: Uncertain significance for Developmental and epileptic encephalopathy 94. Last evaluated: 2023-12-09. Review status: criteria provided, single submitter. Criteria: Invitae Variant Classification Sherloc (09022015). Collection method: clinical testing. Allele origin: germline.
Comment: This sequence change replaces alanine, which is neutral and non-polar, with threonine, which is neutral and polar, at codon 1337 of the CHD2 protein (p.Ala1337Thr). The frequency data for this variant in the population databases is considered unreliable, as metrics indicate poor data quality at this position in the gnomAD database. This variant has not been reported in the literature in individuals affected with CHD2-related conditions. ClinVar contains an entry for this variant (Variation ID: 1511602). Algorithms developed to predict the effect of missense changes on protein structure and function output the following: SIFT: "Not Available"; PolyPhen-2: "Benign"; Align-GVGD: "Not Available". The threonine amino acid residue is found in multiple mammalian species, which suggests that this missense change does not adversely affect protein function. In summary, the available evidence is currently insufficient to determine the role of this variant in disease. Therefore, it has been classified as a Variant of Uncertain Significance.

NM_001271.4(CHD2):c.4009G>A (p.Ala1337Thr)

Gene: CHD2 (chromodomain helicase DNA binding protein 2; plus strand). Cytogenetic location: 15q26.1.
Variant type: single nucleotide variant.
Coding change: c.4009G>A on transcript NM_001271.4 (MANE Select); coding-DNA position 4009, G replaced by A.
Protein change: p.Ala1337Thr; replaces alanine 1337 with threonine.
Molecular consequence: missense variant.
Genome position (GRCh38, 1-based): chr15:93,000,512, G>A. VCF-style: chr15-93000512-G-A. GRCh37 (hg19) VCF-style: chr15-93543742-G-A.
Other names: short protein forms A1337T.
Identifiers: ClinVar variation 1511602 (VCV001511602.6), dbSNP rs776072657, ClinGen allele CA393900291.